The following is an entry in ClinVar:

NM_000170.3(GLDC):c.2105C>T (p.Thr702Ile)

Gene: GLDC (glycine decarboxylase; minus strand). Cytogenetic location: 9p24.1.
Variant type: single nucleotide variant.
Coding change: c.2105C>T on transcript NM_000170.3 (MANE Select); coding-DNA position 2105, C replaced by T.
Protein change: p.Thr702Ile; replaces threonine 702 with isoleucine.
Molecular consequence: missense variant.
Genome position (GRCh38, 1-based): chr9:6,556,250, G>A on the plus strand (C>T on the coding strand, the complement: GLDC is on the minus strand). VCF-style: chr9-6556250-G-A. GRCh37 (hg19) VCF-style: chr9-6556250-G-A.
Other names: short protein forms T702I.
Identifiers: ClinVar variation 56059 (VCV000056059.3), dbSNP rs386833540, ClinGen allele CA263334.
Genomic context (GRCh38, chr9:6,556,250, plus strand): 5'-CCTCCATGTTGATGGATGAGGTCACACACGTCACTGATGTTCTCTTCAAACACCCCATTG[G>A]TGGATGGGTATGTAATCATGATAGCTGCTAGGTTCTCCTTGTGCTTATCCACCTGTGAAA-3'
Protein context (NP_000161.2, residues 692-712): LAAIMITYPS[Thr702Ile]NGVFEENISD

ClinVar aggregate classification (germline): Uncertain significance. Review status: criteria provided, single submitter (1 of 4 stars). 2 submissions from 2 submitters: Uncertain significance (1). 1 of the submissions does not count toward it. Last evaluated 2026-04-07.

Conditions:
Glycine encephalopathy 1 (GCE1). Identifiers: MedGen CN376801, MONDO:0958179, OMIM 605899.
Glycine encephalopathy. Also called: Nonketotic hyperglycinemia; Non-ketotic hyperglycinemia. Identifiers: Orphanet 407, MedGen C0751748, MONDO:0011612, HP:0008288.

Submissions (2):

Myriad Genetics, Inc.
Classification: Uncertain significance for Glycine encephalopathy 1. Last evaluated: 2026-04-07. Review status: criteria provided, single submitter. Criteria: Myriad Autosomal Dominant, Autosomal Recessive and X-Linked Classification Criteria (2023). Collection method: clinical testing. Allele origin: unknown.
Comment: NM_000170.2(GLDC):c.2105C>T(T702I) is a missense variant classified as a variant of uncertain significance in the context of glycine encephalopathy, GLDC-related. T702I has been observed in a case with relevant disease (PMID: 16450403). Relevant functional assessments of this variant are not available in the literature. T702I has not been observed in referenced population frequency databases. In summary, there is insufficient evidence to classify NM_000170.2(GLDC):c.2105C>T(T702I) as pathogenic or benign. Please note: this variant was assessed in the context of healthy population screening.

Juha Muilu Group; Institute for Molecular Medicine Finland (FIMM)
Classification: Likely pathogenic for Non-ketotic hyperglycinemia. Review status: no assertion criteria provided. Collection method: not provided. Allele origin: unknown. Not counted in ClinVar's aggregate classification.
Comment: FinDis database variant: This variant was not found or characterized by our laboratory, data were collected from public sources: see reference
ClinVar note: Converted during submission from probable-pathogenic to Likely pathogenic.

Literature cited by the submitters: PubMed 16450403 (cited by Myriad Genetics, Inc.).